The following is an entry in ClinVar:

ClinVar aggregate classification (germline): Pathogenic (1 of 4 stars; one submission).

Conditions:
Intellectual developmental disorder with seizures and language delay (IDDSELD). Identifiers: MedGen C5436574, MONDO:0033559, OMIM 619000.

Submission:

Laboratory of Medical Genetics, National & Kapodistrian University of Athens
Classification: Pathogenic for Intellectual developmental disorder with seizures and language delay. Last evaluated: 2023-01-09. Review status: criteria provided, single submitter. Criteria: ACMG Guidelines, 2015. Collection method: clinical testing. Allele origin: germline. Affected: yes.
Comment: PVS1, PS2, PM2

NM_001353345.2(SETD1B):c.5325dup (p.Ala1776fs)

Gene: SETD1B (SET domain containing 1B, histone lysine methyltransferase; plus strand). Cytogenetic location: 12q24.31.
Variant type: Duplication.
Coding change: c.5325dup on transcript NM_001353345.2 (MANE Select); coding-DNA position 5325, one base duplicated (C; older notation c.5325dupC).
Protein change: p.Ala1776fs; shifts the reading frame from alanine 1776.
Molecular consequence: frameshift variant.
Genome position (GRCh38, 1-based): chr12:121,825,354, C duplicated; the last of 6 consecutive C bases (chr12:121,825,349-121,825,354); duplicating any one gives the same sequence. VCF-style (leftmost placement, unchanged base first): chr12-121825348-G-GC. GRCh37 (hg19) VCF-style: chr12-122263254-G-GC.
Other names: c.5325dupC (NM_001353345.2); short protein forms A1776fs.
Identifiers: ClinVar variation 2572639 (VCV002572639.1), dbSNP rs755420944, ClinGen allele CA6839270.
Genomic context (GRCh38, chr12:121,825,348, plus strand): 5'-CACCATCGACAAGAAGGACAAGCTCAGATACCTCAACAGCAGCCGTGCCAGCACCGATGA[G>GC]CCCCCCGCAGACACCCAGGTACTGCCAGGGCTCCTGGACACATCAGAGCCTGCTGGGCTG-3'